The following is an entry in ClinVar:

NM_003906.5(MCM3AP):c.829G>C (p.Ala277Pro)

Gene: MCM3AP (minichromosome maintenance complex component 3 associated protein; minus strand). Cytogenetic location: 21q22.3.
Variant type: single nucleotide variant.
Coding change: c.829G>C on transcript NM_003906.5 (MANE Select); coding-DNA position 829, G replaced by C.
Protein change: p.Ala277Pro; replaces alanine 277 with proline.
Molecular consequence: missense variant.
Genome position (GRCh38, 1-based): chr21:46,284,458, C>G on the plus strand (G>C on the coding strand, the complement: MCM3AP is on the minus strand). VCF-style: chr21-46284458-C-G. GRCh37 (hg19) VCF-style: chr21-47704372-C-G.
Other names: c.829G>C (NM_003906.3); short protein forms A277P.
Identifiers: ClinVar variation 1516435 (VCV001516435.9), dbSNP rs754041729, ClinGen allele CA10077256.
Genomic context (GRCh38, chr21:46,284,458, plus strand): 5'-GGTCCTCCTTCCTTTTCAGTCCTTTCATTAGGCTGGGAAGTGGTTCCACCTGGGAAACAG[C>G]TTCTTCACACCCCTGCCTGACACCTGCTTTGCTAGCCTGGAAAGGTTCGCCCAAAACCGC-3'
Protein context (NP_003897.2, residues 267-287): KAGVRQGCEE[Ala277Pro]VSQVEPLPSL

ClinVar aggregate classification (germline): Uncertain significance. Review status: criteria provided, multiple submitters, no conflicts (2 of 4 stars). 2 submissions from 2 submitters: Uncertain significance (2). Last evaluated 2023-10-03.

Conditions:
Inborn genetic diseases. Identifiers: MedGen C0950123, MeSH D030342.

Allele frequency attached by ClinVar (database versions not stated): ExAC 0.00002.
gnomAD v4.1: 20 of 1,614,074 alleles (0.0012%); highest among the groups gnomAD compares: Admixed American, 0.0017%; no homozygotes.

Submissions (2):

Labcorp Genetics (formerly Invitae), Labcorp
Classification: Uncertain significance. Last evaluated: 2023-10-03. Review status: criteria provided, single submitter. Criteria: Invitae Variant Classification Sherloc (09022015). Collection method: clinical testing. Allele origin: germline.
Comment: This sequence change replaces alanine, which is neutral and non-polar, with proline, which is neutral and non-polar, at codon 277 of the MCM3AP protein (p.Ala277Pro). This variant is present in population databases (rs754041729, gnomAD 0.004%). This variant has not been reported in the literature in individuals affected with MCM3AP-related conditions. ClinVar contains an entry for this variant (Variation ID: 1516435). An algorithm developed to predict the effect of missense changes on protein structure and function (PolyPhen-2) suggests that this variant is likely to be disruptive. In summary, the available evidence is currently insufficient to determine the role of this variant in disease. Therefore, it has been classified as a Variant of Uncertain Significance.

Ambry Genetics
Classification: Uncertain significance for Inborn genetic diseases. Last evaluated: 2022-11-21. Review status: criteria provided, single submitter. Criteria: Ambry Variant Classification Scheme 2023. Collection method: clinical testing. Allele origin: germline.